The following is an entry in ClinVar:

ClinVar aggregate classification (germline): Uncertain significance (1 of 4 stars; one submission).

Conditions:
Hereditary cancer-predisposing syndrome. Also called: Neoplastic Syndromes, Hereditary; Hereditary Cancer Syndrome; Tumor predisposition; Hereditary neoplastic syndrome. Identifiers: Orphanet 140162, MedGen C0027672, MeSH D009386, MONDO:0015356.

Submission:

Ambry Genetics
Classification: Uncertain significance for Hereditary cancer-predisposing syndrome. Last evaluated: 2025-02-16. Review status: criteria provided, single submitter. Criteria: Ambry Variant Classification Scheme 2023. Collection method: clinical testing. Allele origin: germline.
Comment: The p.D931E variant (also known as c.2793C>A), located in coding exon 24 of the TSC2 gene, results from a C to A substitution at nucleotide position 2793. The aspartic acid at codon 931 is replaced by glutamic acid, an amino acid with highly similar properties. This amino acid position is conserved. In addition, the in silico prediction for this alteration is inconclusive. Based on the available evidence, the clinical significance of this variant remains unclear.

NM_000548.5(TSC2):c.2793C>A (p.Asp931Glu)

Gene: TSC2 (TSC complex subunit 2; plus strand). Cytogenetic location: 16p13.3.
Variant type: single nucleotide variant.
Coding change: c.2793C>A on transcript NM_000548.5 (MANE Select); coding-DNA position 2793, C replaced by A.
Protein change: p.Asp931Glu; replaces aspartic acid 931 with glutamic acid.
Molecular consequence: missense variant. On other transcripts: non-coding transcript variant (5).
Genome position (GRCh38, 1-based): chr16:2,076,541, C>A. VCF-style: chr16-2076541-C-A. GRCh37 (hg19) VCF-style: chr16-2126542-C-A.
Other names: c.2793C>A, p.Asp931Glu (NM_001077183.3, NM_001114382.3, NM_001363528.2 and 6 more transcripts); c.2682C>A, p.Asp894Glu (NM_001318827.2, NM_001406670.1, NM_001406678.1); c.2646C>A, p.Asp882Glu (NM_001318829.2, NM_001406675.1, NM_001406676.1 and 1 more transcripts); c.2193C>A, p.Asp731Glu (NM_001318831.2, NM_001406680.1, NM_001406682.1 and 6 more transcripts); c.2826C>A, p.Asp942Glu (NM_001318832.2); c.2883C>A, p.Asp961Glu (NM_001406667.1, NM_001406668.1); c.2781C>A, p.Asp927Glu (NM_001406671.1, NM_001406673.1); c.2736C>A, p.Asp912Glu (NM_001406677.1); and 3 more; short protein forms D894E, D942E, D912E, D931E, D397E, D882E, D927E, D961E.
Identifiers: ClinVar variation 3811291 (VCV003811291.1).